The following is an entry in ClinVar:

NM_004171.4(SLC1A2):c.1225G>A (p.Ala409Thr)

Gene: SLC1A2 (solute carrier family 1 member 2; minus strand). Cytogenetic location: 11p13.
Variant type: single nucleotide variant.
Coding change: c.1225G>A on transcript NM_004171.4 (MANE Select); coding-DNA position 1225, G replaced by A.
Protein change: p.Ala409Thr; replaces alanine 409 with threonine.
Molecular consequence: missense variant.
Genome position (GRCh38, 1-based): chr11:35,286,818, C>T on the plus strand (G>A on the coding strand, the complement: SLC1A2 is on the minus strand). VCF-style: chr11-35286818-C-T. GRCh37 (hg19) VCF-style: chr11-35308365-C-T.
Other names: c.1198G>A, p.Ala400Thr (NM_001195728.3, NM_001252652.2); c.1225G>A (NM_004171.3); short protein forms A400T, A409T.
Identifiers: ClinVar variation 1382592 (VCV001382592.10), dbSNP rs1022532582, ClinGen allele CA220498201.
Genomic context (GRCh38, chr11:35,286,818, plus strand): 5'-TTACAGTCACAATCTGTCCTCCATCCAGGACAACACCATTCATTTGGGCTATAAAGATGG[C>T]GGCTACCGCTTCATAAAGGGCTGTACCATCCATGTTAATGGTTGCTCCAACAGGAAGGAC-3'
Protein context (NP_004162.2, residues 399-419): DGTALYEAVA[Ala409Thr]IFIAQMNGVV

ClinVar aggregate classification (germline): Uncertain significance. Review status: criteria provided, multiple submitters, no conflicts (2 of 4 stars). 3 submissions from 3 submitters: Uncertain significance (2). 1 of the submissions does not count toward it. Last evaluated 2026-01-12.

Conditions:
SLC1A2-related disorder. Also called: SLC1A2-related condition.
Developmental and epileptic encephalopathy, 41 (DEE41). Also called: Epileptic encephalopathy, early infantile, 41. Identifiers: MedGen C4310717, MONDO:0014916, OMIM 617105.

Allele frequency attached by ClinVar (database versions not stated): TOPMed 0.00001; gnomAD exomes below 0.00001; gnomAD 0.00001.
gnomAD v4.1: 7 of 1,613,656 alleles (0.00043%); highest among the groups gnomAD compares: Non-Finnish European, 0.00059%; no homozygotes.

Submissions (3):

Labcorp Genetics (formerly Invitae), Labcorp
Classification: Uncertain significance. Last evaluated: 2026-01-12. Review status: criteria provided, single submitter. Criteria: Invitae Variant Classification Sherloc (09022015). Collection method: clinical testing. Allele origin: germline.
Comment: This sequence change replaces alanine, which is neutral and non-polar, with threonine, which is neutral and polar, at codon 409 of the SLC1A2 protein (p.Ala409Thr). This variant is present in population databases (no rsID available, gnomAD 0.0009%). This variant has not been reported in the literature in individuals affected with SLC1A2-related conditions. ClinVar contains an entry for this variant (Variation ID: 1382592). Invitae Evidence Modeling of protein sequence and biophysical properties (such as structural, functional, and spatial information, amino acid conservation, physicochemical variation, residue mobility, and thermodynamic stability) indicates that this missense variant is not expected to disrupt SLC1A2 protein function with a negative predictive value of 80%. In summary, the available evidence is currently insufficient to determine the role of this variant in disease. Therefore, it has been classified as a Variant of Uncertain Significance.

Revvity Omics, Revvity
Classification: Uncertain significance for Developmental and epileptic encephalopathy, 41. Last evaluated: 2023-07-25. Review status: criteria provided, single submitter. Criteria: ACMG Guidelines, 2015. Collection method: clinical testing. Allele origin: germline.

PreventionGenetics, part of Exact Sciences
Classification: Uncertain significance for SLC1A2-related condition. Last evaluated: 2024-02-21. Review status: no assertion criteria provided. Collection method: clinical testing. Allele origin: germline. Not counted in ClinVar's aggregate classification.
Comment: The SLC1A2 c.1225G>A variant is predicted to result in the amino acid substitution p.Ala409Thr. To our knowledge, this variant has not been reported in the literature. This variant is reported in 0.00088% of alleles in individuals of European (Non-Finnish) descent in gnomAD. At this time, the clinical significance of this variant is uncertain due to the absence of conclusive functional and genetic evidence.